The following is an entry in ClinVar:

NM_001321142.2(CIDEC):c.136C>T (p.Arg46Cys)

Gene: CIDEC (cell death inducing DFFA like effector c; minus strand). Cytogenetic location: 3p25.3.
Variant type: single nucleotide variant.
Coding change: c.136C>T on transcript NM_001321142.2 (MANE Select); coding-DNA position 136, C replaced by T.
Protein change: p.Arg46Cys; replaces arginine 46 with cysteine.
Molecular consequence: missense variant. On other transcripts: intron variant (2).
Genome position (GRCh38, 1-based): chr3:9,877,137, G>A on the plus strand (C>T on the coding strand, the complement: CIDEC is on the minus strand). VCF-style: chr3-9877137-G-A. GRCh37 (hg19) VCF-style: chr3-9918821-G-A.
Other names: p.Arg59Cys; c.136C>T, p.Arg46Cys (NM_001199551.2, NM_001199552.2, NM_001378491.1 and 1 more transcripts); c.175C>T, p.Arg59Cys (NM_001199623.2); c.-16+1297C>T (NM_001321144.2, NM_001321143.2); short protein forms R46C, R59C.
Identifiers: ClinVar variation 1693862 (VCV001693862.5), dbSNP rs956988245, ClinGen allele CA69974684.

ClinVar aggregate classification (germline): Uncertain significance. Review status: criteria provided, multiple submitters, no conflicts (2 of 4 stars). 2 submissions from 2 submitters: Uncertain significance (2). Last evaluated 2026-07-26.

Conditions:
CIDEC-related disorder. Also called: CIDEC-related condition.

Allele frequency attached by ClinVar (database versions not stated): gnomAD exomes 0.00001; gnomAD 0.00003 and 0.00004; TOPMed 0.00008.

Submissions (2):

PreventionGenetics, part of Exact Sciences
Classification: Uncertain significance for CIDEC-related condition. Last evaluated: 2026-07-26. Review status: criteria provided, single submitter. Criteria: ACMG Guidelines, 2015. Collection method: clinical testing. Allele origin: germline.
Comment: The CIDEC c.136C>T variant is predicted to result in the amino acid substitution p.Arg46Cys. To our knowledge, this variant has not been reported in the literature. This variant is reported in 0.0040% of alleles in individuals of Latino descent in gnomAD. At this time, the clinical significance of this variant is uncertain due to the absence of conclusive functional and genetic evidence.

Mayo Clinic Laboratories, Mayo Clinic
Classification: Uncertain significance. Last evaluated: 2021-06-21. Review status: criteria provided, single submitter. Criteria: ACMG Guidelines, 2015. Collection method: clinical testing. Allele origin: germline.